The following is an entry in ClinVar:

NM_201253.3(CRB1):c.4141C>T (p.Pro1381Ser)

Gene: CRB1 (crumbs cell polarity complex component 1; plus strand). Cytogenetic location: 1q31.3.
Variant type: single nucleotide variant.
Coding change: c.4141C>T on transcript NM_201253.3 (MANE Select); coding-DNA position 4141, C replaced by T.
Protein change: p.Pro1381Ser; replaces proline 1381 with serine.
Molecular consequence: missense variant. On other transcripts: non-coding transcript variant (2).
Genome position (GRCh38, 1-based): chr1:197,477,799, C>T. VCF-style: chr1-197477799-C-T. GRCh37 (hg19) VCF-style: chr1-197446929-C-T.
Other names: c.3805C>T, p.Pro1269Ser (NM_001193640.2); c.4069C>T, p.Pro1357Ser (NM_001257965.2); c.2533C>T, p.Pro845Ser (NM_001257966.2); short protein forms P1269S, P1357S, P1381S, P845S.
Identifiers: ClinVar variation 4847645 (VCV004847645.1).

ClinVar aggregate classification (germline): Uncertain significance (1 of 4 stars; one submission).

Submission:

Women's Health and Genetics/Laboratory Corporation of America, LabCorp
Classification: Uncertain significance. Last evaluated: 2026-03-27. Review status: criteria provided, single submitter. Criteria: LabCorp Variant Classification Summary - May 2015. Collection method: clinical testing. Allele origin: germline.
Comment: Variant summary: CRB1 c.4141C>T (p.Pro1381Ser) results in a non-conservative amino acid change in the encoded protein sequence. Algorithms developed to predict the effect of missense changes on protein structure and function all suggest that this variant is likely to be disruptive. The variant was absent in 250470 control chromosomes. The available data on variant occurrences in the general population are insufficient to allow any conclusion about variant significance. To our knowledge, no occurrence of c.4141C>T in individuals affected with CRB1-related conditions and no experimental evidence demonstrating its impact on protein function have been reported. No submitters have cited clinical-significance assessments for this variant to ClinVar. Based on the evidence outlined above, the variant was classified as uncertain significance.